The following is an entry in ClinVar:

ClinVar aggregate classification (germline): Conflicting classifications of pathogenicity. Review status: criteria provided, conflicting classifications (1 of 4 stars). 7 submissions from 7 submitters: Uncertain significance (1); Benign (1); Likely benign (4). 1 of the submissions does not count toward it. Last evaluated 2026-05-08.

Conditions:
SYNE2-related disorder. Also called: SYNE2-related condition.
Emery-Dreifuss muscular dystrophy 5, autosomal dominant (EDMD5). Also called: EMERY-DREIFUSS MUSCULAR DYSTROPHY 5. Identifiers: Orphanet 261, MedGen C2751805, MONDO:0013072, OMIM 612999.

Allele frequency attached by ClinVar (database versions not stated): 1000 Genomes Project 30x 0.00016; gnomAD 0.00017 and 0.00020; 1000 Genomes Project 0.00020; TOPMed 0.00022; gnomAD exomes 0.00029 and 0.00033; ExAC 0.00041; ESP Exome Variant Server 0.00046.
gnomAD v4.1: 465 of 1,614,084 alleles (0.029%); highest among the groups gnomAD compares: Middle Eastern, 0.1%; 1 homozygote.

Submissions (7):

Women's Health and Genetics/Laboratory Corporation of America, LabCorp
Classification: Likely benign. Last evaluated: 2026-05-08. Review status: criteria provided, single submitter. Criteria: LabCorp Variant Classification Summary - May 2015. Collection method: clinical testing. Allele origin: germline.
Comment: Variant summary: SYNE2 c.12655G>A (p.Ala4219Thr) results in a non-conservative amino acid change in the encoded protein sequence. Algorithms developed to predict the effect of missense changes on protein structure and function are either unavailable or do not agree on the potential impact of this missense change. The variant allele was found at a frequency of 0.00033 in 251414 control chromosomes, predominantly at a frequency of 0.0034 within the Ashkenazi Jewish subpopulation in the gnomAD database. The observed variant frequency within Ashkenazi Jewish control individuals in the gnomAD database exceeds the estimated maximal expected allele frequency for disease-causing variants in SYNE2. To our knowledge, no occurrence of c.12655G>A in individuals affected with SYNE2-related conditions and no experimental evidence demonstrating its impact on protein function have been reported. ClinVar contains an entry for this variant (Variation ID: 579626). Based on the evidence outlined above, the variant was classified as likely benign.

CeGaT Center for Human Genetics Tuebingen
Classification: Likely benign. Last evaluated: 2025-10-01. Review status: criteria provided, single submitter. Criteria: CeGaT Center For Human Genetics Tuebingen Variant Classification Criteria Version 2. Collection method: clinical testing. Allele origin: germline. Affected: yes. Observed: 4 variant alleles.
Comment: SYNE2: BP4, BS2

Labcorp Genetics (formerly Invitae), Labcorp
Classification: Likely benign for Emery-Dreifuss muscular dystrophy 5, autosomal dominant. Last evaluated: 2025-08-29. Review status: criteria provided, single submitter. Criteria: Invitae Variant Classification Sherloc (09022015). Collection method: clinical testing. Allele origin: germline.

Ambry Genetics
Classification: Likely benign. Last evaluated: 2022-08-26. Review status: criteria provided, single submitter. Criteria: Ambry Variant Classification Scheme 2023. Collection method: clinical testing. Allele origin: germline.

Athena Diagnostics
Classification: Uncertain significance. Last evaluated: 2018-09-26. Review status: criteria provided, single submitter. Criteria: Athena Diagnostics Criteria. Collection method: clinical testing. Allele origin: germline.

Illumina Laboratory Services, Illumina
Classification: Benign for Emery-Dreifuss muscular dystrophy 5, autosomal dominant. Last evaluated: 2018-03-06. Review status: criteria provided, single submitter. Criteria: ICSL Variant Classification Criteria 13 December 2019. Collection method: clinical testing. Allele origin: germline.
Comment: This variant was observed in the ICSL laboratory as part of a predisposition screen in an ostensibly healthy population. It had not been previously curated by ICSL or reported in the Human Gene Mutation Database (HGMD: prior to June 1st, 2018), and was therefore a candidate for classification through an automated scoring system. Utilizing variant allele frequency, disease prevalence and penetrance estimates, and inheritance mode, an automated score was calculated to assess if this variant is too frequent to cause the disease. Based on the score and internal cut-off values, a variant classified as benign is not then subjected to further curation. The score for this variant resulted in a classification of benign for this disease.

PreventionGenetics, part of Exact Sciences
Classification: Likely benign for SYNE2-related condition. Last evaluated: 2020-10-15. Review status: no assertion criteria provided. Collection method: clinical testing. Allele origin: germline. Not counted in ClinVar's aggregate classification.
Comment: This variant is classified as likely benign based on ACMG/AMP sequence variant interpretation guidelines (Richards et al. 2015 PMID: 25741868, with internal and published modifications).

NM_182914.3(SYNE2):c.12655G>A (p.Ala4219Thr)

Gene: SYNE2 (spectrin repeat containing nuclear envelope protein 2; plus strand). Cytogenetic location: 14q23.2.
Variant type: single nucleotide variant.
Coding change: c.12655G>A on transcript NM_182914.3 (MANE Select); coding-DNA position 12655, G replaced by A.
Protein change: p.Ala4219Thr; replaces alanine 4219 with threonine.
Molecular consequence: missense variant.
Genome position (GRCh38, 1-based): chr14:64,113,386, G>A. VCF-style: chr14-64113386-G-A. GRCh37 (hg19) VCF-style: chr14-64580104-G-A.
Other names: c.12655G>A, p.Ala4219Thr (NM_015180.6); short protein forms A4219T.
Identifiers: ClinVar variation 579626 (VCV000579626.60), dbSNP rs138644399, ClinGen allele CA7222230.
Genomic context (GRCh38, chr14:64,113,386, plus strand): 5'-TTGGATTTCTCTTAGGGCACCACACCTCCTATTGAGGCTGACACTCTGGACTCTTCTGAC[G>A]CGCAAGGAGGTTTGGAGCCCAGGGTGGAGAAAACTAGGCCGGAGCCCACAGAAGTCCTGC-3'
Protein context (NP_878918.2, residues 4209-4229): IEADTLDSSD[Ala4219Thr]QGGLEPRVEK